The following is an entry in ClinVar:

NM_001429.4(EP300):c.2660C>T (p.Thr887Ile)

Gene: EP300 (EP300 lysine acetyltransferase; plus strand). Cytogenetic location: 22q13.2.
Variant type: single nucleotide variant.
Coding change: c.2660C>T on transcript NM_001429.4 (MANE Select); coding-DNA position 2660, C replaced by T.
Protein change: p.Thr887Ile; replaces threonine 887 with isoleucine.
Molecular consequence: missense variant.
Genome position (GRCh38, 1-based): chr22:41,150,041, C>T. VCF-style: chr22-41150041-C-T. GRCh37 (hg19) VCF-style: chr22-41546045-C-T.
Other names: c.2582C>T, p.Thr861Ile (NM_001362843.2); short protein forms T861I, T887I.
Identifiers: ClinVar variation 987884 (VCV000987884.2), dbSNP rs953108559, ClinGen allele CA324536409.

ClinVar aggregate classification (germline): Pathogenic/Likely pathogenic. Review status: criteria provided, multiple submitters, no conflicts (2 of 4 stars). 2 submissions from 2 submitters: Pathogenic (1); Likely pathogenic (1). Last evaluated 2020-11-11.

Conditions:
Rubinstein-Taybi syndrome due to EP300 haploinsufficiency. Also called: EP300-Related Rubinstein-Taybi Syndrome; RUBINSTEIN-TAYBI SYNDROME 2. Identifiers: Orphanet 353284, Orphanet 783, MedGen C3150941, MONDO:0013364, OMIM 613684.

gnomAD v4.1: 1 of 1,614,006 alleles (0.000062%); highest among the groups gnomAD compares: Non-Finnish European, 0.000085%; no homozygotes.

Submissions (2):

Daryl Scott Lab, Baylor College of Medicine
Classification: Pathogenic for Rubinstein-Taybi syndrome due to EP300 haploinsufficiency. Last evaluated: 2020-11-11. Review status: criteria provided, single submitter. Criteria: ACMG Guidelines, 2015. Collection method: clinical testing. Allele origin: somatic. Observed: 1 variant allele, 1 mosaic individual.

Baylor Genetics
Classification: Likely pathogenic for Rubinstein-Taybi syndrome due to EP300 haploinsufficiency. Last evaluated: 2018-02-06. Review status: criteria provided, single submitter. Criteria: ACMG Guidelines, 2015. Collection method: clinical testing. Allele origin: de novo. Affected: yes.
Comment: This variant was determined to be likely pathogenic according to ACMG Guidelines, 2015 [PMID:25741868].

Literature cited by the submitters: PubMed 33461977 (cited by Daryl Scott Lab, Baylor College of Medicine).